The following is an entry in ClinVar:

ClinVar aggregate classification (germline): Uncertain significance (1 of 4 stars; one submission).

Conditions:
Autosomal recessive limb-girdle muscular dystrophy type R18 (LGMDR18). Also called: Limb-girdle muscular dystrophy, type 2S; MUSCULAR DYSTROPHY, LIMB-GIRDLE, AUTOSOMAL RECESSIVE 18; Autosomal recessive limb-girdle muscular dystrophy type 2S. Identifiers: Orphanet 369840, MedGen C4517996, MONDO:0014144, OMIM 615356.

Allele frequency attached by ClinVar (database versions not stated): gnomAD exomes 0.00001; ExAC 0.00002; TOPMed 0.00002; gnomAD 0.00003 and 0.00004.
gnomAD v4.1: 17 of 1,613,898 alleles (0.0011%); highest among the groups gnomAD compares: African/African-American, 0.0053%; no homozygotes.

Submission:

Labcorp Genetics (formerly Invitae), Labcorp
Classification: Uncertain significance for Autosomal recessive limb-girdle muscular dystrophy type R18. Last evaluated: 2024-02-24. Review status: criteria provided, single submitter. Criteria: Invitae Variant Classification Sherloc (09022015). Collection method: clinical testing. Allele origin: germline.
Comment: This sequence change replaces proline, which is neutral and non-polar, with leucine, which is neutral and non-polar, at codon 820 of the TRAPPC11 protein (p.Pro820Leu). This variant is present in population databases (rs752479011, gnomAD 0.002%). This variant has not been reported in the literature in individuals affected with TRAPPC11-related conditions. ClinVar contains an entry for this variant (Variation ID: 1006292). Advanced modeling of protein sequence and biophysical properties (such as structural, functional, and spatial information, amino acid conservation, physicochemical variation, residue mobility, and thermodynamic stability) performed at Invitae indicates that this missense variant is not expected to disrupt TRAPPC11 protein function with a negative predictive value of 80%. In summary, the available evidence is currently insufficient to determine the role of this variant in disease. Therefore, it has been classified as a Variant of Uncertain Significance.

NM_021942.6(TRAPPC11):c.2459C>T (p.Pro820Leu)

Genes: TRAPPC11 (trafficking protein particle complex subunit 11; plus strand), LOC126807238 (BRD4-independent group 4 enhancer GRCh37_chr4:184614366-184615565; plus strand). Cytogenetic location: 4q35.1.
Variant type: single nucleotide variant.
Coding change: c.2459C>T on transcript NM_021942.6 (MANE Select); coding-DNA position 2459, C replaced by T.
Protein change: p.Pro820Leu; replaces proline 820 with leucine.
Molecular consequence: missense variant.
Genome position (GRCh38, 1-based): chr4:183,693,989, C>T. VCF-style: chr4-183693989-C-T. GRCh37 (hg19) VCF-style: chr4-184615142-C-T.
Other names: c.2459C>T, p.Pro820Leu (NM_199053.3); short protein forms P820L.
Identifiers: ClinVar variation 1006292 (VCV001006292.9), dbSNP rs752479011, ClinGen allele CA3152198.